The following is an entry in ClinVar:

NM_001042492.3(NF1):c.2414C>T (p.Ala805Val)

Gene: NF1 (neurofibromin 1; plus strand). Cytogenetic location: 17q11.2.
Variant type: single nucleotide variant.
Coding change: c.2414C>T on transcript NM_001042492.3 (MANE Select); coding-DNA position 2414, C replaced by T.
Protein change: p.Ala805Val; replaces alanine 805 with valine.
Molecular consequence: missense variant.
Genome position (GRCh38, 1-based): chr17:31,229,029, C>T. VCF-style: chr17-31229029-C-T. GRCh37 (hg19) VCF-style: chr17-29556047-C-T.
Other names: c.2414C>T, p.Ala805Val (NM_000267.4); short protein forms A805V.
Identifiers: ClinVar variation 2915503 (VCV002915503.3), dbSNP rs2151428794, ClinGen allele CA398983803.

ClinVar aggregate classification (germline): Uncertain significance (1 of 4 stars; one submission).

Conditions:
Neurofibromatosis, type 1 (NF1). Also called: Neurofibromatosis, type I; NEUROFIBROMATOSIS, TYPE I, SOMATIC; Peripheral type neurofibromatosis; VON RECKLINGHAUSEN DISEASE. Identifiers: Orphanet 636, MedGen C0027831, MONDO:0018975, OMIM 162200. Disease mechanism: loss of function.

Submission:

Labcorp Genetics (formerly Invitae), Labcorp
Classification: Uncertain significance for Neurofibromatosis, type 1. Last evaluated: 2026-01-19. Review status: criteria provided, single submitter. Criteria: Invitae Variant Classification Sherloc (09022015). Collection method: clinical testing. Allele origin: germline.
Comment: This sequence change replaces alanine, which is neutral and non-polar, with valine, which is neutral and non-polar, at codon 805 of the NF1 protein (p.Ala805Val). This variant is not present in population databases (gnomAD no frequency). This variant has not been reported in the literature in individuals affected with NF1-related conditions. ClinVar contains an entry for this variant (Variation ID: 2915503). Invitae Evidence Modeling of protein sequence and biophysical properties (such as structural, functional, and spatial information, amino acid conservation, physicochemical variation, residue mobility, and thermodynamic stability) indicates that this missense variant is not expected to disrupt NF1 protein function with a negative predictive value of 95%. In summary, the available evidence is currently insufficient to determine the role of this variant in disease. Therefore, it has been classified as a Variant of Uncertain Significance.